The following is an entry in ClinVar:

ClinVar aggregate classification (germline): Conflicting classifications of pathogenicity. Review status: criteria provided, conflicting classifications (1 of 4 stars). 3 submissions from 3 submitters: Uncertain significance (1); Benign (1). 1 of the submissions does not count toward it. Last evaluated 2026-01-14.

Conditions:
ADGRV1-related disorder. Also called: ADGRV1-related condition; ADGRV1-related disorders.

Allele frequency attached by ClinVar (database versions not stated): gnomAD 0.00001 and 0.00011; TOPMed 0.00004; ESP Exome Variant Server 0.00008; gnomAD exomes 0.00022 and 0.00050; 1000 Genomes Project 0.00040; 1000 Genomes Project 30x 0.00047; ExAC 0.00108.

Submissions (3):

Labcorp Genetics (formerly Invitae), Labcorp
Classification: Benign. Last evaluated: 2026-01-14. Review status: criteria provided, single submitter. Criteria: Invitae Variant Classification Sherloc (09022015). Collection method: clinical testing. Allele origin: germline.

Blueprint Genetics
Classification: Uncertain significance. Last evaluated: 2024-07-31. Review status: criteria provided, single submitter. Criteria: ACMG Guidelines, 2015. Collection method: clinical testing. Allele origin: germline.

PreventionGenetics, part of Exact Sciences
Classification: Likely benign for ADGRV1-related condition. Last evaluated: 2024-08-21. Review status: no assertion criteria provided. Collection method: clinical testing. Allele origin: germline. Not counted in ClinVar's aggregate classification.
Comment: This variant is classified as likely benign based on ACMG/AMP sequence variant interpretation guidelines (Richards et al. 2015 PMID: 25741868, with internal and published modifications).

NM_032119.4(ADGRV1):c.500T>C (p.Met167Thr)

Gene: ADGRV1 (adhesion G protein-coupled receptor V1; plus strand). Cytogenetic location: 5q14.3.
Variant type: single nucleotide variant.
Coding change: c.500T>C on transcript NM_032119.4 (MANE Select); coding-DNA position 500, T replaced by C.
Protein change: p.Met167Thr; replaces methionine 167 with threonine.
Molecular consequence: missense variant. On other transcripts: non-coding transcript variant (1).
Genome position (GRCh38, 1-based): chr5:90,622,643, T>C. VCF-style: chr5-90622643-T-C. GRCh37 (hg19) VCF-style: chr5-89918460-T-C.
Other names: c.500T>C (NM_032119.3); short protein forms M167T.
Identifiers: ClinVar variation 1166749 (VCV001166749.11), dbSNP rs201758835, ClinGen allele CA3338486.